The following is an entry in ClinVar:

ClinVar aggregate classification (germline): Uncertain significance (1 of 4 stars; one submission).

Submission:

GeneDx
Classification: Uncertain significance. Last evaluated: 2025-06-22. Review status: criteria provided, single submitter. Criteria: GeneDx Variant Classification Process June 2021. Collection method: clinical testing. Allele origin: germline. Affected: yes.
Comment: Not observed at significant frequency in large population cohorts (gnomAD); In-frame deletion of 1 amino acid(s) in a non-repeat region; In silico analysis supports a deleterious effect on protein structure/function; Has not been previously published as pathogenic or benign to our knowledge; In silico analysis is inconclusive as to whether the variant alters gene splicing. In the absence of RNA/functional studies, the actual effect of this sequence change is unknown.

NM_002804.5(PSMC3):c.1167_1169del (p.Asp390del)

Gene: PSMC3 (proteasome 26S subunit, ATPase 3; minus strand). Cytogenetic location: 11p11.2.
Variant type: Deletion.
Coding change: c.1167_1169del on transcript NM_002804.5 (MANE Select); coding-DNA positions 1167 to 1169, 3 bases deleted (TGA; older notation c.1167_1169delTGA).
Protein change: p.Asp390del; deletes aspartic acid 390.
Genome position (GRCh38, 1-based): chr11:47,419,156-47,419,158, TCA deleted on the plus strand (TGA on the coding strand, the reverse complement: PSMC3 is on the minus strand); deleting any 3 consecutive bases within chr11:47,419,156-47,419,160 gives the same sequence; the c. name uses the placement nearest the transcript's 3' end. VCF-style (leftmost placement, unchanged base first): chr11-47419155-GTCA-G. GRCh37 (hg19) VCF-style: chr11-47440706-GTCA-G.
Other names: short protein forms D390del.
Identifiers: ClinVar variation 4540065 (VCV004540065.1).